The following is an entry in ClinVar:

ClinVar aggregate classification (germline): Benign/Likely benign. Review status: criteria provided, multiple submitters, no conflicts (2 of 4 stars). 3 submissions from 3 submitters: Benign (1); Likely benign (1). 1 of the submissions does not count toward it. Last evaluated 2025-11-29.

Conditions:
VPS13D-related disorder. Also called: VPS13D-related condition.

Allele frequency attached by ClinVar (database versions not stated): gnomAD exomes 0.00030 and 0.00097; ExAC 0.00108; gnomAD 0.00346 and 0.00381; TOPMed 0.00407; 1000 Genomes Project 0.00439; 1000 Genomes Project 30x 0.00468; ESP Exome Variant Server 0.00492.
gnomAD v4.1: 984 of 1,614,138 alleles (0.061%); highest among the groups gnomAD compares: African/African-American, 1.1%; 3 homozygotes.

Submissions (3):

Labcorp Genetics (formerly Invitae), Labcorp
Classification: Benign. Last evaluated: 2025-11-29. Review status: criteria provided, single submitter. Criteria: Invitae Variant Classification Sherloc (09022015). Collection method: clinical testing. Allele origin: germline.

Mayo Clinic Laboratories, Mayo Clinic
Classification: Likely benign. Last evaluated: 2025-02-18. Review status: criteria provided, single submitter. Criteria: ACMG Guidelines, 2015. Collection method: clinical testing. Allele origin: germline. Observed: 2 variant alleles.
Comment: BS1, BP4

PreventionGenetics, part of Exact Sciences
Classification: Benign for VPS13D-related condition. Last evaluated: 2019-06-06. Review status: no assertion criteria provided. Collection method: clinical testing. Allele origin: germline. Not counted in ClinVar's aggregate classification.
Comment: This variant is classified as benign based on ACMG/AMP sequence variant interpretation guidelines (Richards et al. 2015 PMID: 25741868, with internal and published modifications).

NM_015378.4(VPS13D):c.977A>G (p.Asn326Ser)

Gene: VPS13D (vacuolar protein sorting 13 homolog D; plus strand). Cytogenetic location: 1p36.22.
Variant type: single nucleotide variant.
Coding change: c.977A>G on transcript NM_015378.4 (MANE Select); coding-DNA position 977, A replaced by G.
Protein change: p.Asn326Ser; replaces asparagine 326 with serine.
Molecular consequence: missense variant.
Genome position (GRCh38, 1-based): chr1:12,257,970, A>G. VCF-style: chr1-12257970-A-G. GRCh37 (hg19) VCF-style: chr1-12318027-A-G.
Other names: p.Asn326Ser; c.977A>G (NM_015378.3); c.977A>G, p.Asn326Ser (NM_018156.4); short protein forms N326S.
Identifiers: ClinVar variation 1596131 (VCV001596131.11), dbSNP rs78599974, ClinGen allele CA601391.